The following is an entry in ClinVar:

NM_201550.4(LRRC10):c.469C>A (p.Arg157Ser)

Gene: LRRC10 (leucine rich repeat containing 10; minus strand). Cytogenetic location: 12q15.
Variant type: single nucleotide variant.
Coding change: c.469C>A on transcript NM_201550.4 (MANE Select); coding-DNA position 469, C replaced by A.
Protein change: p.Arg157Ser; replaces arginine 157 with serine.
Molecular consequence: missense variant.
Genome position (GRCh38, 1-based): chr12:69,610,370, G>T on the plus strand (C>A on the coding strand, the complement: LRRC10 is on the minus strand). VCF-style: chr12-69610370-G-T. GRCh37 (hg19) VCF-style: chr12-70004150-G-T.
Other names: c.469C>A (NM_201550.2); short protein forms R157S.
Identifiers: ClinVar variation 1482057 (VCV001482057.10), dbSNP rs201257055, ClinGen allele CA6681062.

ClinVar aggregate classification (germline): Uncertain significance. Review status: criteria provided, multiple submitters, no conflicts (2 of 4 stars). 3 submissions from 3 submitters: Uncertain significance (3). Last evaluated 2025-07-14.

Submissions (3):

Labcorp Genetics (formerly Invitae), Labcorp
Classification: Uncertain significance. Last evaluated: 2025-07-14. Review status: criteria provided, single submitter. Criteria: Invitae Variant Classification Sherloc (09022015). Collection method: clinical testing. Allele origin: germline.
Comment: This sequence change replaces arginine, which is basic and polar, with serine, which is neutral and polar, at codon 157 of the LRRC10 protein (p.Arg157Ser). This variant is present in population databases (rs201257055, gnomAD 0.01%). This variant has not been reported in the literature in individuals affected with LRRC10-related conditions. ClinVar contains an entry for this variant (Variation ID: 1482057). An algorithm developed to predict the effect of missense changes on protein structure and function (PolyPhen-2) suggests that this variant is likely to be disruptive. In summary, the available evidence is currently insufficient to determine the role of this variant in disease. Therefore, it has been classified as a Variant of Uncertain Significance.

Ambry Genetics
Classification: Uncertain significance. Last evaluated: 2025-01-23. Review status: criteria provided, single submitter. Criteria: Ambry Variant Classification Scheme 2023. Collection method: clinical testing. Allele origin: germline.

Breakthrough Genomics
Classification: Uncertain significance. Review status: criteria provided, single submitter. Criteria: ACMG Guidelines, 2015. Collection method: not provided. Allele origin: germline. Inheritance: Unknown mechanism. Affected: yes.